The following is an entry in ClinVar:

NM_000038.6(APC):c.-18-5107T>G

Gene: APC (APC regulator of WNT signaling pathway; plus strand). Cytogenetic location: 5q22.2.
Variant type: single nucleotide variant.
Coding change: c.-18-5107T>G on transcript NM_000038.6 (MANE Select); 5107 bases into the intron before 18 bases upstream of the start codon, T replaced by G.
Molecular consequence: intron variant.
Genome position (GRCh38, 1-based): chr5:112,749,766, T>G. VCF-style: chr5-112749766-T-G. GRCh37 (hg19) VCF-style: chr5-112085463-T-G.
Other names: c.-18-5107T>G (NM_001354895.2, NM_001127510.3, NM_001354896.2 and 2 more transcripts); c.166-16560T>G (NM_001354897.2, NM_001354902.2, NM_001127511.3); c.60+11306T>G (NM_001354898.2, NM_001354904.2); c.-1053-5107T>G (NM_001354906.2); c.-43+11841T>G (NM_001354900.2, NM_001354901.2, NM_001354905.2).
Identifiers: ClinVar variation 82358 (VCV000082358.2), dbSNP rs75609412, ClinGen allele CA006119.

ClinVar aggregate classification (germline): other (0 of 4 stars; one submission).

Conditions:
Familial colorectal cancer. Identifiers: MedGen CN280943, MONDO:0023113. Disease mechanism: loss of function.

Submission:

Systems Biology Platform Zhejiang California International NanoSystems Institute
Classification: other for Familial colorectal cancer. Review status: no assertion criteria provided. Collection method: not provided. Allele origin: unknown.
ClinVar note: Converted during submission from cancer to other.